The following is an entry in ClinVar:

NC_000019.9:g.(?_15366088)_(15368004_?)del

Gene: BRD4 (bromodomain containing 4; minus strand). Cytogenetic location: 19p13.12.
Variant type: Deletion.
Identifiers: ClinVar variation 2427174 (VCV002427174.4).

ClinVar aggregate classification (germline): Pathogenic (1 of 4 stars; one submission).

Submission:

Labcorp Genetics (formerly Invitae), Labcorp
Classification: Pathogenic. Last evaluated: 2022-06-18. Review status: criteria provided, single submitter. Criteria: Invitae Variant Classification Sherloc (09022015). Collection method: clinical testing. Allele origin: germline.
Comment: For these reasons, this variant has been classified as Pathogenic. This variant has not been reported in the literature in individuals affected with BRD4-related conditions. This variant is a gross deletion of the genomic region encompassing exon(s) 8-10 of the BRD4 gene. This deletion is out-of-frame, and is expected to create a premature termination codon and result in an absent or disrupted protein product. Loss-of-function variants in BRD4 are known to be pathogenic (PMID: 11997514, 29379197).

Literature cited by the submitters: PubMed 11997514; PubMed 29379197.